The following is an entry in ClinVar:

NM_002335.4(LRP5):c.295G>A (p.Val99Met)

Gene: LRP5 (LDL receptor related protein 5; plus strand). Cytogenetic location: 11q13.2.
Variant type: single nucleotide variant.
Coding change: c.295G>A on transcript NM_002335.4 (MANE Select); coding-DNA position 295, G replaced by A.
Protein change: p.Val99Met; replaces valine 99 with methionine.
Molecular consequence: missense variant. On other transcripts: 5 prime UTR variant (1).
Genome position (GRCh38, 1-based): chr11:68,348,050, G>A. VCF-style: chr11-68348050-G-A. GRCh37 (hg19) VCF-style: chr11-68115518-G-A.
Other names: c.-1471G>A (NM_001291902.2); c.295G>A (NM_002335.2, NM_002335.3); short protein forms V99M.
Identifiers: ClinVar variation 195168 (VCV000195168.18), dbSNP rs768918663, ClinGen allele CA241464.

ClinVar aggregate classification (germline): Uncertain significance. Review status: criteria provided, multiple submitters, no conflicts (2 of 4 stars). 5 submissions from 5 submitters: Uncertain significance (5). Last evaluated 2025-10-23.

Conditions:
LRP5-related disorder. Also called: LRP5-related condition.
Osteoporosis. Identifiers: MedGen C0029456, MONDO:0005298, OMIM 166710, HP:0000939.
Bone mineral density quantitative trait locus 1 (BMND1). Identifiers: MedGen C1866079, OMIM 601884.
Exudative vitreoretinopathy 4 (EVR4). Identifiers: Orphanet 891, MedGen C1866176, MONDO:0011151, OMIM 601813.
Autosomal dominant osteopetrosis 1 (OPTA1). Also called: OSTEOPETROSIS, AUTOSOMAL DOMINANT, TYPE I. Identifiers: Orphanet 2783, MedGen C1843330, MONDO:0011877, OMIM 607634.
Exudative vitreoretinopathy 1 (EVR1). Also called: FEVR, AUTOSOMAL DOMINANT; Familial exudative vitreoretinopathy, autosomal dominant; CRISWICK-SCHEPENS SYNDROME. Identifiers: Orphanet 891, Orphanet 90050, MedGen C1851402, MONDO:0007589, OMIM 133780.
Osteoporosis with pseudoglioma (OPPG). Also called: osteoporosis-pseudoglioma syndrome. Identifiers: Orphanet 2788, MedGen C0432252, MONDO:0009820, OMIM 259770.
Worth disease. Also called: Autosomal dominant osteosclerosis, Worth type; OSTEOSCLEROSIS, AUTOSOMAL DOMINANT; ENDOSTEAL HYPEROSTOSIS, AUTOSOMAL DOMINANT. Identifiers: Orphanet 2790, MedGen C0432273, MONDO:0007764, OMIM 144750.
Polycystic liver disease 4 with or without kidney cysts. Identifiers: MedGen C4693479, MONDO:0044327, OMIM 617875.
Inborn genetic diseases. Identifiers: MedGen C0950123, MeSH D030342.

Allele frequency attached by ClinVar (database versions not stated): ExAC 0.00003; gnomAD exomes 0.00004 and 0.00006; gnomAD 0.00014; TOPMed 0.00016.

Submissions (5):

Labcorp Genetics (formerly Invitae), Labcorp
Classification: Uncertain significance. Last evaluated: 2025-10-23. Review status: criteria provided, single submitter. Criteria: Invitae Variant Classification Sherloc (09022015). Collection method: clinical testing. Allele origin: germline.
Comment: This sequence change replaces valine, which is neutral and non-polar, with methionine, which is neutral and non-polar, at codon 99 of the LRP5 protein (p.Val99Met). This variant is present in population databases (rs768918663, gnomAD 0.03%). This variant has not been reported in the literature in individuals affected with LRP5-related conditions. ClinVar contains an entry for this variant (Variation ID: 195168). Invitae Evidence Modeling of protein sequence and biophysical properties (such as structural, functional, and spatial information, amino acid conservation, physicochemical variation, residue mobility, and thermodynamic stability) indicates that this missense variant is not expected to disrupt LRP5 protein function with a negative predictive value of 95%. In summary, the available evidence is currently insufficient to determine the role of this variant in disease. Therefore, it has been classified as a Variant of Uncertain Significance.

PreventionGenetics, part of Exact Sciences
Classification: Uncertain significance for LRP5-related condition. Last evaluated: 2025-10-01. Review status: criteria provided, single submitter. Criteria: ACMG Guidelines, 2015. Collection method: clinical testing. Allele origin: germline.
Comment: The LRP5 c.295G>A variant is predicted to result in the amino acid substitution p.Val99Met. To our knowledge, this variant has not been reported in the literature. This variant is reported in 0.028% of alleles in individuals of African descent in gnomAD. At this time, the clinical significance of this variant is uncertain due to the absence of conclusive functional and genetic evidence.

Ambry Genetics
Classification: Uncertain significance for Inborn genetic diseases. Last evaluated: 2025-08-27. Review status: criteria provided, single submitter. Criteria: Ambry Variant Classification Scheme 2023. Collection method: clinical testing. Allele origin: germline.

Fulgent Genetics
Classification: Uncertain significance for Exudative vitreoretinopathy 1; Worth disease; Osteoporosis; Osteoporosis with pseudoglioma; Exudative vitreoretinopathy 4; Bone mineral density quantitative trait locus 1; Autosomal dominant osteopetrosis 1; Polycystic liver disease 4 with or without kidney cysts. Last evaluated: 2021-12-15. Review status: criteria provided, single submitter. Criteria: ACMG Guidelines, 2015. Collection method: clinical testing. Allele origin: unknown.

Eurofins Ntd Llc (ga)
Classification: Uncertain significance. Last evaluated: 2015-05-05. Review status: criteria provided, single submitter. Criteria: EGL Classification Definitions 2015. Collection method: clinical testing. Allele origin: germline. Observed: 1 variant allele, 1 heterozygote.